The following is an entry in ClinVar:

ClinVar aggregate classification (germline): Uncertain significance (1 of 4 stars; one submission).

Conditions:
Inborn genetic diseases. Identifiers: MedGen C0950123, MeSH D030342.

gnomAD v4.1: 1 of 1,609,352 alleles (0.000062%); highest among the groups gnomAD compares: African/African-American, 0.0013%; no homozygotes.

Submission:

Ambry Genetics
Classification: Uncertain significance for Inborn genetic diseases. Last evaluated: 2026-03-30. Review status: criteria provided, single submitter. Criteria: Ambry Variant Classification Scheme 2023. Collection method: clinical testing. Allele origin: germline.
Comment: The p.P1477L variant (also known as c.4430C>T), located in coding exon 17 of the FANCM gene, results from a C to T substitution at nucleotide position 4430. The proline at codon 1477 is replaced by leucine, an amino acid with similar properties. This amino acid position is conserved. In addition, this alteration is predicted to be tolerated by in silico analysis. Based on the available evidence, the clinical significance of this variant remains unclear.

NM_020937.4(FANCM):c.4430C>T (p.Pro1477Leu)

Gene: FANCM (FA complementation group M; plus strand). Cytogenetic location: 14q21.2.
Variant type: single nucleotide variant.
Coding change: c.4430C>T on transcript NM_020937.4 (MANE Select); coding-DNA position 4430, C replaced by T.
Protein change: p.Pro1477Leu; replaces proline 1477 with leucine.
Molecular consequence: missense variant.
Genome position (GRCh38, 1-based): chr14:45,183,817, C>T. VCF-style: chr14-45183817-C-T. GRCh37 (hg19) VCF-style: chr14-45653020-C-T.
Other names: c.4352C>T, p.Pro1451Leu (NM_001308133.2); short protein forms P1451L, P1477L.
Identifiers: ClinVar variation 4871054 (VCV004871054.1).
Genomic context (GRCh38, chr14:45,183,817, plus strand): 5'-TTGTCGAATTATTATAGTCAGAATTATCATCTAGTGATGAGAGTGAGAATTTTCCCAAAC[C>T]ATGTTCACAATTAGAAGACTTCAAGGTTTGTAACGGGAATGCCAGAAGAGGCATCAAAGT-3'
Protein context (NP_065988.1, residues 1467-1487): SSDESENFPK[Pro1477Leu]CSQLEDFKVC